The following is an entry in ClinVar:

ClinVar aggregate classification (germline): Uncertain significance (1 of 4 stars; one submission).

Allele frequency attached by ClinVar (database versions not stated): gnomAD exomes below 0.00001.
gnomAD v4.1: 1 of 1,613,674 alleles (0.000062%); highest among the groups gnomAD compares: Non-Finnish European, 0.000085%; no homozygotes.

Submission:

Labcorp Genetics (formerly Invitae), Labcorp
Classification: Uncertain significance. Last evaluated: 2023-08-30. Review status: criteria provided, single submitter. Criteria: Invitae Variant Classification Sherloc (09022015). Collection method: clinical testing. Allele origin: germline.
Comment: In summary, the available evidence is currently insufficient to determine the role of this variant in disease. Therefore, it has been classified as a Variant of Uncertain Significance. An algorithm developed to predict the effect of missense changes on protein structure and function (PolyPhen-2) suggests that this variant is likely to be disruptive. ClinVar contains an entry for this variant (Variation ID: 1474623). This variant has not been reported in the literature in individuals affected with MYO18B-related conditions. This variant is not present in population databases (gnomAD no frequency). This sequence change replaces methionine with threonine at codon 2035 of the MYO18B protein (p.Met2035Thr). The methionine residue is highly conserved and there is a moderate physicochemical difference between methionine and threonine.

NM_032608.7(MYO18B):c.6104T>C (p.Met2035Thr)

Gene: MYO18B (myosin XVIIIB; plus strand). Cytogenetic location: 22q12.1.
Variant type: single nucleotide variant.
Coding change: c.6104T>C on transcript NM_032608.7 (MANE Select); coding-DNA position 6104, T replaced by C.
Protein change: p.Met2035Thr; replaces methionine 2035 with threonine.
Molecular consequence: missense variant.
Genome position (GRCh38, 1-based): chr22:25,955,312, T>C. VCF-style: chr22-25955312-T-C. GRCh37 (hg19) VCF-style: chr22-26351278-T-C.
Other names: c.6107T>C, p.Met2036Thr (NM_001318245.2); short protein forms M2035T, M2036T.
Identifiers: ClinVar variation 1474623 (VCV001474623.6), dbSNP rs2092837049, ClinGen allele CA411009382.
Genomic context (GRCh38, chr22:25,955,312, plus strand): 5'-CCCAGCAGCGGGAGAGCAGCCAGTACTACCAGCGGCGCCTGGAAGAGCTGAAGGCCGACA[T>C]GGAAGAGCTGGTGCAGCGGGAGGCAGAGGCCAGCCGGCGGTGCATGGAGCTGGTGAGTCC-3'
Protein context (NP_115997.5, residues 2025-2045): QRRLEELKAD[Met2035Thr]EELVQREAEA